The following is an entry in ClinVar:

NM_001292034.3(TAB2):c.913_914del (p.Gln305fs)

Genes: TAB2 (TGF-beta activated kinase 1 (MAP3K7) binding protein 2; plus strand), LOC126859827 (BRD4-independent group 4 enhancer GRCh37_chr6:149699707-149700906; plus strand). Cytogenetic location: 6q25.1.
Variant type: Microsatellite.
Coding change: c.913_914del on transcript NM_001292034.3 (MANE Select); coding-DNA positions 913 to 914, 2 bases deleted (CA; older notation c.913_914delCA).
Protein change: p.Gln305fs; shifts the reading frame from glutamine 305.
Molecular consequence: frameshift variant.
Genome position (GRCh38, 1-based): chr6:149,378,828-149,378,829, CA deleted; deleting any 2 consecutive bases within chr6:149,378,826-149,378,829 gives the same sequence; the c. name uses the placement nearest the transcript's 3' end. VCF-style (leftmost placement, unchanged base first): chr6-149378825-TCA-T. GRCh37 (hg19) VCF-style: chr6-149699961-TCA-T.
Other names: c.913_914delCA (NM_015093.4); c.913_914del, p.Gln305fs (NM_015093.6, NM_001369506.1); c.817_818del, p.Gln273fs (NM_001292035.3); c.913_914del (NM_015093.4); short protein forms Q305fs, Q273fs.
Identifiers: ClinVar variation 422085 (VCV000422085.5), dbSNP rs1064795547, ClinGen allele CA16618252.
Genomic context (GRCh38, chr6:149,378,825, plus strand): 5'-TACATGCCAATCAGTTCACCTACTACTTCACAACCACCAACCATTCATTCATCTGGTAGC[TCA>T]CAGTCTTCTGCCCATAGCCAATATAACATTCAGAATATTTCAACAGGACCTCGAAAAAAC-3'

ClinVar aggregate classification (germline): Pathogenic. Review status: criteria provided, multiple submitters, no conflicts (2 of 4 stars). 2 submissions from 2 submitters: Pathogenic (2). Last evaluated 2024-11-10.

Submissions (2):

Labcorp Genetics (formerly Invitae), Labcorp
Classification: Pathogenic. Last evaluated: 2024-11-10. Review status: criteria provided, single submitter. Criteria: Invitae Variant Classification Sherloc (09022015). Collection method: clinical testing. Allele origin: germline.
Comment: This sequence change creates a premature translational stop signal (p.Gln305Valfs*5) in the TAB2 gene. It is expected to result in an absent or disrupted protein product. Loss-of-function variants in TAB2 are known to be pathogenic (PMID: 28386937, 31250519). This variant is not present in population databases (gnomAD no frequency). This variant has not been reported in the literature in individuals affected with TAB2-related conditions. For these reasons, this variant has been classified as Pathogenic.

GeneDx
Classification: Pathogenic. Last evaluated: 2023-03-15. Review status: criteria provided, single submitter. Criteria: GeneDx Variant Classification Process June 2021. Collection method: clinical testing. Allele origin: germline. Affected: yes.
Comment: Frameshift variant predicted to result in protein truncation or nonsense mediated decay in a gene for which loss of function is a known mechanism of disease; Not observed at significant frequency in large population cohorts (gnomAD); Has not been previously published as pathogenic or benign to our knowledge

Literature cited by the submitters: PubMed 28386937 (cited by Labcorp Genetics (formerly Invitae), Labcorp); PubMed 31250519 (cited by Labcorp Genetics (formerly Invitae), Labcorp).